The following is an entry in ClinVar:

ClinVar aggregate classification (germline): Uncertain significance. Review status: criteria provided, multiple submitters, no conflicts (2 of 4 stars). 2 submissions from 2 submitters: Uncertain significance (2). Last evaluated 2025-12-15.

Conditions:
Inborn genetic diseases. Identifiers: MedGen C0950123, MeSH D030342.

Allele frequency attached by ClinVar (database versions not stated): gnomAD exomes below 0.00001; ExAC 0.00001.
gnomAD v4.1: 1 of 1,614,012 alleles (0.000062%); highest among the groups gnomAD compares: Non-Finnish European, 0.000085%; no homozygotes.

Submissions (2):

Ambry Genetics
Classification: Uncertain significance for Inborn genetic diseases. Last evaluated: 2025-12-15. Review status: criteria provided, single submitter. Criteria: Ambry Variant Classification Scheme 2023. Collection method: clinical testing. Allele origin: germline.
Comment: The c.284G>A (p.R95Q) alteration is located in exon 3 (coding exon 2) of the SRRM2 gene. This alteration results from a G to A substitution at nucleotide position 284, causing the arginine (R) at amino acid position 95 to be replaced by a glutamine (Q). Based on data from gnomAD, the A allele has an overall frequency of <0.001% (1/251468) total alleles studied. The highest observed frequency was 0.001% (1/113764) of European (non-Finnish) alleles. Based on insufficient or conflicting evidence, the clinical significance of this alteration remains unclear.

GeneDx
Classification: Uncertain significance. Last evaluated: 2023-03-20. Review status: criteria provided, single submitter. Criteria: GeneDx Variant Classification Process June 2021. Collection method: clinical testing. Allele origin: germline. Affected: yes.
Comment: In silico analysis supports that this missense variant has a deleterious effect on protein structure/function; Has not been previously published as pathogenic or benign to our knowledge

NM_016333.4(SRRM2):c.284G>A (p.Arg95Gln)

Gene: SRRM2 (serine/arginine repetitive matrix 2; plus strand). Cytogenetic location: 16p13.3.
Variant type: single nucleotide variant.
Coding change: c.284G>A on transcript NM_016333.4 (MANE Select); coding-DNA position 284, G replaced by A.
Protein change: p.Arg95Gln; replaces arginine 95 with glutamine.
Molecular consequence: missense variant.
Genome position (GRCh38, 1-based): chr16:2,757,513, G>A. VCF-style: chr16-2757513-G-A. GRCh37 (hg19) VCF-style: chr16-2807514-G-A.
Other names: short protein forms R95Q.
Identifiers: ClinVar variation 2580552 (VCV002580552.2), dbSNP rs746692354, ClinGen allele CA7846706.